The following is an entry in ClinVar:

ClinVar aggregate classification (germline): Conflicting classifications of pathogenicity. Review status: criteria provided, conflicting classifications (1 of 4 stars). 4 submissions from 4 submitters: Likely pathogenic (3); Uncertain significance (1). Last evaluated 2025-10-09.

Conditions:
3-methylcrotonyl-CoA carboxylase 2 deficiency. Also called: 3 alpha methylcrotonyl-CoA carboxylase 2 deficiency; 3 alpha methylcrotonylglycinuria 2; MCC 2 deficiency; Methylcrotonylglycinuria type 2; METHYLCROTONYLGLYCINURIA, TYPE II. Identifiers: Orphanet 6, MedGen C1859499, MONDO:0008862, OMIM 210210.

Allele frequency attached by ClinVar (database versions not stated): gnomAD exomes below 0.00001 and 0.00002; TOPMed 0.00001; gnomAD 0.00001; ExAC 0.00002.
gnomAD v4.1: 7 of 1,613,528 alleles (0.00043%); highest among the groups gnomAD compares: East Asian, 0.0022%; no homozygotes.

Submissions (4):

Natera, Inc.
Classification: Likely pathogenic for 3-methylcrotonyl-CoA carboxylase 2 deficiency. Last evaluated: 2025-10-09. Review status: criteria provided, single submitter. Criteria: Natera Variant Classification Schema (03/2026). Collection method: clinical testing. Allele origin: germline.
Comment: The c.1367C>T variant in MCCC2 is a missense variant predicted to cause substitution of alanine to valine at amino acid 456. This variant is rare in the general population with a frequency below the threshold expected for the associated phenotype(s). This variant has been observed in one or more individuals affected with the associated recessive disease, as either homozygous or compound heterozygous with a second variant (PMID: 39188588). Functional studies show that this variant may disrupt protein function (PMID: 22642865). Computational prediction algorithms indicate this variant is likely to affect gene or protein function. Given the available evidence, this variant is classified as Likely Pathogenic.

Myriad Genetics, Inc.
Classification: Likely pathogenic for 3-methylcrotonyl-CoA carboxylase 2 deficiency. Last evaluated: 2025-07-01. Review status: criteria provided, single submitter. Criteria: Myriad Autosomal Dominant, Autosomal Recessive and X-Linked Classification Criteria (2023). Collection method: clinical testing. Allele origin: unknown.
Comment: NM_022132.4(MCCC2):c.1367C>T(A456V) is a missense variant classified as likely pathogenic in the context of 3-methylcrotonyl-CoA carboxylase deficiency, MCC2-related. A456V has been observed in cases with relevant disease (PMID: 22642865, 30904546, 38535124, 39188588). Relevant functional assessments of this variant are available in the literature (PMID: 22642865). A456V has been observed in referenced population frequency databases. In summary, NM_022132.4(MCCC2):c.1367C>T(A456V) is a missense variant that has functional support for pathogenicity and has been observed more frequently in cases with the relevant disease than in healthy populations. Please note: this variant was assessed in the context of healthy population screening.

Fulgent Genetics
Classification: Likely pathogenic for 3-methylcrotonyl-CoA carboxylase 2 deficiency. Last evaluated: 2024-01-03. Review status: criteria provided, single submitter. Criteria: ACMG Guidelines, 2015. Collection method: clinical testing. Allele origin: germline.

Eurofins Ntd Llc (ga)
Classification: Uncertain significance. Last evaluated: 2014-03-03. Review status: criteria provided, single submitter. Criteria: EGL Classification Definitions 2015. Collection method: clinical testing. Allele origin: germline. Observed: 3 variant alleles, 3 heterozygotes.

Literature cited by the submitters: PubMed 39188588 (cited by Natera, Inc. and Myriad Genetics, Inc.); PubMed 22642865 (cited by 3 submitters); PubMed 30904546 (cited by Myriad Genetics, Inc.); PubMed 38535124 (cited by Myriad Genetics, Inc.); PubMed 16010683 (cited by Eurofins Ntd Llc (ga)).

NM_022132.5(MCCC2):c.1367C>T (p.Ala456Val)

Gene: MCCC2 (methylcrotonyl-CoA carboxylase subunit 2; plus strand). Cytogenetic location: 5q13.2.
Variant type: single nucleotide variant.
Coding change: c.1367C>T on transcript NM_022132.5 (MANE Select); coding-DNA position 1367, C replaced by T.
Protein change: p.Ala456Val; replaces alanine 456 with valine.
Molecular consequence: missense variant.
Genome position (GRCh38, 1-based): chr5:71,649,247, C>T. VCF-style: chr5-71649247-C-T. GRCh37 (hg19) VCF-style: chr5-70945074-C-T.
Other names: c.1253C>T, p.Ala418Val (NM_001363147.1); c.1367C>T (NM_022132.4); short protein forms A456V, A418V.
Identifiers: ClinVar variation 167280 (VCV000167280.8), dbSNP rs727504011, ClinGen allele CA234252.